The following is an entry in ClinVar:

ClinVar aggregate classification (germline): Uncertain significance (1 of 4 stars; one submission).

Submission:

Labcorp Genetics (formerly Invitae), Labcorp
Classification: Uncertain significance. Last evaluated: 2025-12-29. Review status: criteria provided, single submitter. Criteria: Invitae Variant Classification Sherloc (09022015). Collection method: clinical testing. Allele origin: germline.
Comment: This sequence change replaces aspartic acid, which is acidic and polar, with asparagine, which is neutral and polar, at codon 475 of the FAM161A protein (p.Asp475Asn). This variant is not present in population databases (gnomAD no frequency). This variant has not been reported in the literature in individuals affected with FAM161A-related conditions. Invitae Evidence Modeling of protein sequence and biophysical properties (such as structural, functional, and spatial information, amino acid conservation, physicochemical variation, residue mobility, and thermodynamic stability) indicates that this missense variant is expected to disrupt FAM161A protein function with a positive predictive value of 80%. In summary, the available evidence is currently insufficient to determine the role of this variant in disease. Therefore, it has been classified as a Variant of Uncertain Significance.

NM_001201543.2(FAM161A):c.1423G>A (p.Asp475Asn)

Gene: FAM161A (FAM161 centrosomal protein A; minus strand). Cytogenetic location: 2p15.
Variant type: single nucleotide variant.
Coding change: c.1423G>A on transcript NM_001201543.2 (MANE Select); coding-DNA position 1423, G replaced by A.
Protein change: p.Asp475Asn; replaces aspartic acid 475 with asparagine.
Molecular consequence: missense variant. On other transcripts: non-coding transcript variant (1).
Genome position (GRCh38, 1-based): chr2:61,839,581, C>T on the plus strand (G>A on the coding strand, the complement: FAM161A is on the minus strand). VCF-style: chr2-61839581-C-T. GRCh37 (hg19) VCF-style: chr2-62066716-C-T.
Other names: c.1423G>A, p.Asp475Asn (NM_032180.3); short protein forms D475N.
Identifiers: ClinVar variation 4781103 (VCV004781103.1).
Genomic context (GRCh38, chr2:61,839,581, plus strand): 5'-GCCTTGGAGACAAATAAGGCCAACGTGTTTCTTTTAAATTTTCTTCATCTGCTTCGATGT[C>T]TGCCAAAATTTTTTCTCTTTTAATAGATGCATGTGGAGATGCATGAAGATCAAATGGTTT-3'
Protein context (NP_001188472.1, residues 465-485): ASIKREKILA[Asp475Asn]IEADEENLKE